The following is an entry in ClinVar:

NM_000093.5(COL5A1):c.1191G>T (p.Ala397=)

Gene: COL5A1 (collagen type V alpha 1 chain; plus strand). Cytogenetic location: 9q34.3.
Variant type: single nucleotide variant.
Coding change: c.1191G>T on transcript NM_000093.5 (MANE Select); coding-DNA position 1191, G replaced by T.
Protein change: p.Ala397=; no amino-acid change (alanine 397 retained).
Molecular consequence: synonymous variant.
Genome position (GRCh38, 1-based): chr9:134,731,522, G>T. VCF-style: chr9-134731522-G-T. GRCh37 (hg19) VCF-style: chr9-137623368-G-T.
Other names: p.Ala397=; c.1191G>T, p.Ala397= (NM_001278074.1).
Identifiers: ClinVar variation 439531 (VCV000439531.31), dbSNP rs199755089, ClinGen allele CA5318675.
Genomic context (GRCh38, chr9:134,731,522, plus strand): 5'-CGAGGCAACCCTGCGCCTTCCTCTCCCTCTGCAGCCAGCTCCGCCTCCAGGGGAAGGTGC[G>T]GATGACTTGGAGGGGGAGTTCACTGAGGAAACGATCCGGAACCTTGACGAGAACTACTAC-3'
Protein context (NP_000084.3, residues 387-407): SNPAPPPGEG[Ala397=]DDLEGEFTEE

ClinVar aggregate classification (germline): Benign/Likely benign. Review status: criteria provided, multiple submitters, no conflicts (2 of 4 stars). 10 submissions from 9 submitters: Benign (6); Likely benign (4). Last evaluated 2026-06-01.

Conditions:
Familial thoracic aortic aneurysm and aortic dissection (TAAD). Also called: Thoracic aortic aneurysms and dissections. Identifiers: Orphanet 91387, MedGen C4707243, MONDO:0019625.
Fibromuscular dysplasia, multifocal. Identifiers: MedGen C5543412, MONDO:0859151, OMIM 619329.
Ehlers-Danlos syndrome, classic type, 1 (EDSCL1). Also called: EDS I; Ehlers-Danlos Syndrome, Classic Type, COL5A1-Related; Ehlers-Danlos syndrome, type 1; EHLERS-DANLOS SYNDROME, GRAVIS TYPE; EHLERS-DANLOS SYNDROME, SEVERE CLASSIC TYPE. Identifiers: MedGen C0268335, MONDO:0019567, OMIM 130000.

Allele frequency attached by ClinVar (database versions not stated): 1000 Genomes Project 30x 0.00016; TOPMed 0.00018.
gnomAD v4.1: 260 of 1,614,222 alleles (0.016%); highest among the groups gnomAD compares: Admixed American, 0.43%; 1 homozygote.

Submissions (10):

CeGaT Center for Human Genetics Tuebingen
Classification: Likely benign. Last evaluated: 2026-06-01. Review status: criteria provided, single submitter. Criteria: CeGaT Center For Human Genetics Tuebingen Variant Classification Criteria Version 2. Collection method: clinical testing. Allele origin: germline. Affected: yes. Observed: 2 variant alleles.
Comment: COL5A1: BP4, BP7

Labcorp Genetics (formerly Invitae), Labcorp
Classification: Benign for Ehlers-Danlos syndrome, classic type, 1. Last evaluated: 2026-01-19. Review status: criteria provided, single submitter. Criteria: Invitae Variant Classification Sherloc (09022015). Collection method: clinical testing. Allele origin: germline.

ARUP Laboratories, Molecular Genetics and Genomics, ARUP Laboratories
Classification: Benign. Last evaluated: 2023-11-11. Review status: criteria provided, single submitter. Criteria: ARUP Molecular Germline Variant Investigation Process 2024. Collection method: clinical testing. Allele origin: germline.

Mayo Clinic Laboratories, Mayo Clinic
Classification: Benign. Last evaluated: 2023-08-24. Review status: criteria provided, single submitter. Criteria: ACMG Guidelines, 2015. Collection method: clinical testing. Allele origin: germline. Observed: 3 variant alleles.
Comment: BS1, BS2, BP4, BP7

Women's Health and Genetics/Laboratory Corporation of America, LabCorp
Classification: Benign. Last evaluated: 2023-07-21. Review status: criteria provided, single submitter. Criteria: LabCorp Variant Classification Summary - May 2015. Collection method: clinical testing. Allele origin: germline.

Genome-Nilou Lab
Classification: Benign for Ehlers-Danlos syndrome, classic type, 1. Last evaluated: 2022-03-15. Review status: criteria provided, single submitter. Criteria: ACMG Guidelines, 2015. Collection method: clinical testing. Allele origin: germline. Affected: no.

Genome-Nilou Lab
Classification: Benign for Fibromuscular dysplasia, multifocal. Last evaluated: 2022-03-15. Review status: criteria provided, single submitter. Criteria: ACMG Guidelines, 2015. Collection method: clinical testing. Allele origin: germline. Affected: no.

GeneDx
Classification: Likely benign. Last evaluated: 2020-07-30. Review status: criteria provided, single submitter. Criteria: GeneDx Variant Classification Process June 2021. Collection method: clinical testing. Allele origin: germline. Affected: yes.

Ambry Genetics
Classification: Likely benign for Familial thoracic aortic aneurysm and aortic dissection. Last evaluated: 2019-12-30. Review status: criteria provided, single submitter. Criteria: Ambry Variant Classification Scheme 2023. Collection method: clinical testing. Allele origin: germline.

Breakthrough Genomics
Classification: Likely benign. Review status: criteria provided, single submitter. Criteria: ACMG Guidelines, 2015. Collection method: not provided. Allele origin: germline. Inheritance: Autosomal dominant inheritance. Affected: yes.